The following is an entry in ClinVar:

NM_007186.6(CEP250):c.4007G>A (p.Arg1336Gln)

Gene: CEP250 (centrosomal protein 250; plus strand). Cytogenetic location: 20q11.22.
Variant type: single nucleotide variant.
Coding change: c.4007G>A on transcript NM_007186.6 (MANE Select); coding-DNA position 4007, G replaced by A.
Protein change: p.Arg1336Gln; replaces arginine 1336 with glutamine.
Molecular consequence: missense variant.
Genome position (GRCh38, 1-based): chr20:35,501,953, G>A. VCF-style: chr20-35501953-G-A. GRCh37 (hg19) VCF-style: chr20-34089780-G-A.
Other names: c.2111G>A, p.Arg704Gln (NM_001318219.1); c.4007G>A (NM_007186.5); short protein forms R1336Q, R704Q.
Identifiers: ClinVar variation 1345606 (VCV001345606.9), dbSNP rs767741329, ClinGen allele CA9833633.

ClinVar aggregate classification (germline): Uncertain significance. Review status: criteria provided, multiple submitters, no conflicts (2 of 4 stars). 2 submissions from 2 submitters: Uncertain significance (2). Last evaluated 2026-06-23.

Conditions:
CEP250-related disorder. Also called: CEP250-related condition.

Allele frequency attached by ClinVar (database versions not stated): ExAC 0.00001; gnomAD 0.00001; TOPMed 0.00001.
gnomAD v4.1: 18 of 1,612,324 alleles (0.0011%); highest among the groups gnomAD compares: South Asian, 0.0055%; no homozygotes.

Submissions (2):

PreventionGenetics, part of Exact Sciences
Classification: Uncertain significance for CEP250-related condition. Last evaluated: 2026-06-23. Review status: criteria provided, single submitter. Criteria: ACMG Guidelines, 2015. Collection method: clinical testing. Allele origin: germline.
Comment: The CEP250 c.4007G>A variant is predicted to result in the amino acid substitution p.Arg1336Gln. To our knowledge, this variant has not been reported in the literature. This variant is reported in 0.0033% of alleles in individuals of South Asian descent in gnomAD. At this time, the clinical significance of this variant is uncertain due to the absence of conclusive functional and genetic evidence.

Labcorp Genetics (formerly Invitae), Labcorp
Classification: Uncertain significance. Last evaluated: 2022-03-19. Review status: criteria provided, single submitter. Criteria: Invitae Variant Classification Sherloc (09022015). Collection method: clinical testing. Allele origin: germline.
Comment: In summary, the available evidence is currently insufficient to determine the role of this variant in disease. Therefore, it has been classified as a Variant of Uncertain Significance. Algorithms developed to predict the effect of missense changes on protein structure and function are either unavailable or do not agree on the potential impact of this missense change (SIFT: "Not Available"; PolyPhen-2: "Benign"; Align-GVGD: "Not Available"). This variant has not been reported in the literature in individuals affected with CEP250-related conditions. This variant is present in population databases (rs767741329, gnomAD 0.003%). This sequence change replaces arginine, which is basic and polar, with glutamine, which is neutral and polar, at codon 1336 of the CEP250 protein (p.Arg1336Gln).